The following is an entry in ClinVar:

NM_002292.4(LAMB2):c.560C>A (p.Pro187Gln)

Gene: LAMB2 (laminin subunit beta 2; minus strand). Cytogenetic location: 3p21.31.
Variant type: single nucleotide variant.
Coding change: c.560C>A on transcript NM_002292.4 (MANE Select); coding-DNA position 560, C replaced by A.
Protein change: p.Pro187Gln; replaces proline 187 with glutamine.
Molecular consequence: missense variant.
Genome position (GRCh38, 1-based): chr3:49,131,623, G>T on the plus strand (C>A on the coding strand, the complement: LAMB2 is on the minus strand). VCF-style: chr3-49131623-G-T. GRCh37 (hg19) VCF-style: chr3-49169056-G-T.
Other names: short protein forms P187Q.
Identifiers: ClinVar variation 2130373 (VCV002130373.4), dbSNP rs2472557895, ClinGen allele CA352750445.

ClinVar aggregate classification (germline): Uncertain significance (1 of 4 stars; one submission).

Conditions:
Pierson syndrome. Also called: MICROCORIA-CONGENITAL NEPHROTIC SYNDROME. Identifiers: Orphanet 2670, MedGen C1836876, MONDO:0012184, OMIM 609049.
LAMB2-related infantile-onset nephrotic syndrome. Also called: Nephrotic Syndrome, type 5; NEPHROTIC SYNDROME, TYPE 5, WITHOUT OCULAR ABNORMALITIES; NEPHROTIC SYNDROME, TYPE 5, WITH OCULAR ABNORMALITIES. Identifiers: Orphanet 306507, MedGen C3280113, MONDO:0013621, OMIM 614199.

Submission:

Labcorp Genetics (formerly Invitae), Labcorp
Classification: Uncertain significance for LAMB2-related infantile-onset nephrotic syndrome; Pierson syndrome. Last evaluated: 2022-10-17. Review status: criteria provided, single submitter. Criteria: Invitae Variant Classification Sherloc (09022015). Collection method: clinical testing. Allele origin: germline.
Comment: This variant is not present in population databases (gnomAD no frequency). In summary, the available evidence is currently insufficient to determine the role of this variant in disease. Therefore, it has been classified as a Variant of Uncertain Significance. Algorithms developed to predict the effect of sequence changes on RNA splicing suggest that this variant may disrupt the consensus splice site. Algorithms developed to predict the effect of missense changes on protein structure and function (SIFT, PolyPhen-2, Align-GVGD) all suggest that this variant is likely to be disruptive. This variant has not been reported in the literature in individuals affected with LAMB2-related conditions. This sequence change replaces proline, which is neutral and non-polar, with glutamine, which is neutral and polar, at codon 187 of the LAMB2 protein (p.Pro187Gln).